The following is an entry in ClinVar:

NM_001365951.3(KIF1B):c.3983C>T (p.Ala1328Val)

Gene: KIF1B (kinesin family member 1B; plus strand). Cytogenetic location: 1p36.22.
Variant type: single nucleotide variant.
Coding change: c.3983C>T on transcript NM_001365951.3 (MANE Select); coding-DNA position 3983, C replaced by T.
Protein change: p.Ala1328Val; replaces alanine 1328 with valine.
Molecular consequence: missense variant.
Genome position (GRCh38, 1-based): chr1:10,352,664, C>T. VCF-style: chr1-10352664-C-T. GRCh37 (hg19) VCF-style: chr1-10412722-C-T.
Other names: c.3983C>T, p.Ala1328Val (NM_001365952.1); c.3845C>T, p.Ala1282Val (NM_015074.3); short protein forms A1282V, A1328V.
Identifiers: ClinVar variation 1735462 (VCV001735462.2), dbSNP rs771034641, ClinGen allele CA17847819.

ClinVar aggregate classification (germline): Uncertain significance (1 of 4 stars; one submission).

Allele frequency attached by ClinVar (database versions not stated): gnomAD exomes below 0.00001.
gnomAD v4.1: 5 of 1,613,952 alleles (0.00031%); highest among the groups gnomAD compares: Non-Finnish European, 0.00042%; no homozygotes.

Submission:

Ambry Genetics
Classification: Uncertain significance. Last evaluated: 2024-02-28. Review status: criteria provided, single submitter. Criteria: Ambry Variant Classification Scheme 2023. Collection method: clinical testing. Allele origin: germline.
Comment: The p.A1282V variant (also known as c.3845C>T), located in coding exon 35 of the KIF1B gene, results from a C to T substitution at nucleotide position 3845. The alanine at codon 1282 is replaced by valine, an amino acid with similar properties. This amino acid position is not well conserved in available vertebrate species. In addition, this alteration is predicted to be tolerated by in silico analysis. Since supporting evidence is limited at this time, the clinical significance of this alteration remains unclear.